The following is an entry in ClinVar:

NM_006618.5(KDM5B):c.1729G>T (p.Glu577Ter)

Gene: KDM5B (lysine demethylase 5B; minus strand). Cytogenetic location: 1q32.1.
Variant type: single nucleotide variant.
Coding change: c.1729G>T on transcript NM_006618.5 (MANE Select); coding-DNA position 1729, G replaced by T.
Protein change: p.Glu577Ter; replaces glutamic acid 577 with a stop codon.
Molecular consequence: nonsense.
Genome position (GRCh38, 1-based): chr1:202,750,751, C>A on the plus strand (G>T on the coding strand, the complement: KDM5B is on the minus strand). VCF-style: chr1-202750751-C-A. GRCh37 (hg19) VCF-style: chr1-202719879-C-A.
Other names: c.1837G>T, p.Glu613Ter (NM_001314042.2); c.1594G>T, p.Glu532Ter (NM_001347591.2); c.1714G>T, p.Glu572Ter (NM_001399817.1); short protein forms E532*, E572*, E577*, E613*.
Identifiers: ClinVar variation 4891254 (VCV004891254.1).

ClinVar aggregate classification (germline): Pathogenic (1 of 4 stars; one submission).

Conditions:
Intellectual developmental disorder, autosomal recessive 65. Also called: MENTAL RETARDATION, AUTOSOMAL RECESSIVE 65; Intellectual disability, autosomal recessive 65. Identifiers: MedGen C4748219, MONDO:0020850, OMIM 618109.

Submission:

Clinical Genetics Laboratory, University Hospital Schleswig-Holstein
Classification: Pathogenic for Intellectual developmental disorder, autosomal recessive 65. Last evaluated: 2025-10-16. Review status: criteria provided, single submitter. Criteria: ACMG Guidelines, 2015. Collection method: clinical testing. Allele origin: germline. Affected: yes. Observed: 1 heterozygote.
Comment: ACMG criteria applied: PM2, PVS1